The following is an entry in ClinVar:

NM_004104.5(FASN):c.7408G>A (p.Gly2470Arg)

Gene: FASN (fatty acid synthase; minus strand). Cytogenetic location: 17q25.3.
Variant type: single nucleotide variant.
Coding change: c.7408G>A on transcript NM_004104.5 (MANE Select); coding-DNA position 7408, G replaced by A.
Protein change: p.Gly2470Arg; replaces glycine 2470 with arginine.
Molecular consequence: missense variant.
Genome position (GRCh38, 1-based): chr17:82,079,271, C>T on the plus strand (G>A on the coding strand, the complement: FASN is on the minus strand). VCF-style: chr17-82079271-C-T. GRCh37 (hg19) VCF-style: chr17-80037147-C-T.
Other names: short protein forms G2470R.
Identifiers: ClinVar variation 3017169 (VCV003017169.3), dbSNP rs1184058748, ClinGen allele CA401594497.
Genomic context (GRCh38, chr17:82,079,271, plus strand): 5'-GGCCGCTGCCCTCCAGCAGCGTGCGGTGGTCACCCTCGATGACGTGGACGGATACTTTCC[C>T]GTCGCATACCTGCAGGGGATGCGATCAGCTGCCGTCCCACCCCACTCCTGTCCCTGTCCC-3'
Protein context (NP_004095.4, residues 2460-2480): ADYNLSQVCD[Gly2470Arg]KVSVHVIEGD

ClinVar aggregate classification (germline): Uncertain significance (1 of 4 stars; one submission).

Conditions:
Epileptic encephalopathy. Identifiers: MedGen C0543888, HP:0200134.

Allele frequency attached by ClinVar (database versions not stated): gnomAD exomes below 0.00001.

Submission:

Labcorp Genetics (formerly Invitae), Labcorp
Classification: Uncertain significance for Epileptic encephalopathy. Last evaluated: 2024-01-10. Review status: criteria provided, single submitter. Criteria: Invitae Variant Classification Sherloc (09022015). Collection method: clinical testing. Allele origin: germline.
Comment: This sequence change replaces glycine, which is neutral and non-polar, with arginine, which is basic and polar, at codon 2470 of the FASN protein (p.Gly2470Arg). This variant is present in population databases (no rsID available, gnomAD 0.007%). This variant has not been reported in the literature in individuals affected with FASN-related conditions. An algorithm developed to predict the effect of missense changes on protein structure and function (PolyPhen-2) suggests that this variant is likely to be disruptive. Algorithms developed to predict the effect of sequence changes on RNA splicing suggest that this variant may create or strengthen a splice site. In summary, the available evidence is currently insufficient to determine the role of this variant in disease. Therefore, it has been classified as a Variant of Uncertain Significance.